The following is an entry in ClinVar:

ClinVar aggregate classification (germline): Conflicting classifications of pathogenicity. Review status: criteria provided, conflicting classifications (1 of 4 stars). 11 submissions from 11 submitters: Uncertain significance (1); Benign (2); Likely benign (5). 3 of the submissions do not count toward it. Last evaluated 2026-07-01.

Conditions:
MYH14-related disorder. Also called: MYH14-related condition.
Autosomal dominant nonsyndromic hearing loss 4A. Also called: Deafness, autosomal dominant 4A. Identifiers: Orphanet 90635, MedGen C1833503, MONDO:0010915, OMIM 600652.

Allele frequency attached by ClinVar (database versions not stated): ExAC 0.00108; 1000 Genomes Project 30x 0.00031; TOPMed 0.00049; gnomAD 0.00067 and 0.00071; gnomAD exomes 0.00067 and 0.00093; ESP Exome Variant Server 0.00077.
gnomAD v4.1: 1,386 of 1,573,820 alleles (0.088%); highest among the groups gnomAD compares: Non-Finnish European, 0.11%; 2 homozygotes.

Submissions (11):

CeGaT Center for Human Genetics Tuebingen
Classification: Likely benign. Last evaluated: 2026-07-01. Review status: criteria provided, single submitter. Criteria: CeGaT Center For Human Genetics Tuebingen Variant Classification Criteria Version 2. Collection method: clinical testing. Allele origin: germline. Affected: yes. Observed: 2 variant alleles.
Comment: MYH14: BS1

Labcorp Genetics (formerly Invitae), Labcorp
Classification: Likely benign. Last evaluated: 2026-01-12. Review status: criteria provided, single submitter. Criteria: Invitae Variant Classification Sherloc (09022015). Collection method: clinical testing. Allele origin: germline.

Women's Health and Genetics/Laboratory Corporation of America, LabCorp
Classification: Likely benign. Last evaluated: 2025-04-16. Review status: criteria provided, single submitter. Criteria: LabCorp Variant Classification Summary - May 2015. Collection method: clinical testing. Allele origin: germline.

Blueprint Genetics
Classification: Likely benign. Last evaluated: 2024-11-20. Review status: criteria provided, single submitter. Criteria: ACMG Guidelines, 2015. Collection method: clinical testing. Allele origin: germline.

GeneDx
Classification: Uncertain significance. Last evaluated: 2021-09-22. Review status: criteria provided, single submitter. Criteria: GeneDx Variant Classification Process June 2021. Collection method: clinical testing. Allele origin: germline. Affected: yes.
Comment: In silico analysis, which includes protein predictors and evolutionary conservation, supports a deleterious effect; Has not been previously published as pathogenic or benign to our knowledge

ARUP Laboratories, Molecular Genetics and Genomics, ARUP Laboratories
Classification: Benign. Last evaluated: 2019-09-25. Review status: criteria provided, single submitter. Criteria: ARUP Molecular Germline Variant Investigation Process. Collection method: clinical testing. Allele origin: germline.

Illumina Laboratory Services, Illumina
Classification: Benign for Autosomal dominant nonsyndromic hearing loss 4A. Last evaluated: 2017-05-24. Review status: criteria provided, single submitter. Criteria: ICSL Variant Classification Criteria 13 December 2019. Collection method: clinical testing. Allele origin: germline.
Comment: This variant was observed as part of a predisposition screen in an ostensibly healthy population. A literature search was performed for the gene, cDNA change, and amino acid change (where applicable). No publications were found based on this search. Allele frequency data from public databases was too high to be consistent with this variant causing disease. Therefore, this variant is classified as benign.

Laboratory for Molecular Medicine, Mass General Brigham Personalized Medicine
Classification: Likely benign. Last evaluated: 2015-05-05. Review status: criteria provided, single submitter. Criteria: LMM Criteria. Collection method: clinical testing. Allele origin: germline. Observed: 2 variant alleles.
Comment: p.Gly132Ser in exon 2 of MYH14: This variant is not expected to have clinical si gnificance because it is not conserved in mammals, the wallaby has a serine (Ser ) at this position, and it has been identified in 0.2% (26/13784) of European ch romosomes by the Exome Aggregation Consortium (ExAC. org; dbSNP rs199910006).

PreventionGenetics, part of Exact Sciences
Classification: Likely benign for MYH14-related condition. Last evaluated: 2020-07-28. Review status: no assertion criteria provided. Collection method: clinical testing. Allele origin: germline. Not counted in ClinVar's aggregate classification.
Comment: This variant is classified as likely benign based on ACMG/AMP sequence variant interpretation guidelines (Richards et al. 2015 PMID: 25741868, with internal and published modifications).

Clinical Genetics, Academic Medical Center
Classification: Likely benign. Review status: no assertion criteria provided. Collection method: clinical testing. Allele origin: germline. Affected: yes. Study: VKGL Data-share Consensus. Not counted in ClinVar's aggregate classification.

Joint Genome Diagnostic Labs from Nijmegen and Maastricht, Radboudumc and MUMC+
Classification: Likely benign. Review status: no assertion criteria provided. Collection method: clinical testing. Allele origin: germline. Affected: yes. Study: VKGL Data-share Consensus. Not counted in ClinVar's aggregate classification.

NM_001145809.2(MYH14):c.394G>A (p.Gly132Ser)

Gene: MYH14 (myosin heavy chain 14; plus strand). Cytogenetic location: 19q13.33.
Variant type: single nucleotide variant.
Coding change: c.394G>A on transcript NM_001145809.2 (MANE Select); coding-DNA position 394, G replaced by A.
Protein change: p.Gly132Ser; replaces glycine 132 with serine.
Molecular consequence: missense variant.
Genome position (GRCh38, 1-based): chr19:50,210,759, G>A. VCF-style: chr19-50210759-G-A. GRCh37 (hg19) VCF-style: chr19-50714016-G-A.
Other names: c.394G>A, p.Gly132Ser (NM_001077186.2, NM_024729.4); short protein forms G132S.
Identifiers: ClinVar variation 178410 (VCV000178410.57), dbSNP rs199910006, ClinGen allele CA182272.